The following is an entry in ClinVar:

NM_005475.3(SH2B3):c.1322T>C (p.Phe441Ser)

Gene: SH2B3 (SH2B adaptor protein 3; plus strand). Cytogenetic location: 12q24.12.
Variant type: single nucleotide variant.
Coding change: c.1322T>C on transcript NM_005475.3 (MANE Select); coding-DNA position 1322, T replaced by C.
Protein change: p.Phe441Ser; replaces phenylalanine 441 with serine.
Molecular consequence: missense variant.
Genome position (GRCh38, 1-based): chr12:111,447,741, T>C. VCF-style: chr12-111447741-T-C. GRCh37 (hg19) VCF-style: chr12-111885545-T-C.
Other names: c.716T>C, p.Phe239Ser (NM_001291424.1); short protein forms F239S, F441S.
Identifiers: ClinVar variation 4163946 (VCV004163946.1).
Genomic context (GRCh38, chr12:111,447,741, plus strand): 5'-GGGGCCAGTGCCGTGTGCAGCACCTCCACTTTCCCTCGGTCGTGGACATGCTCCACCACT[T>C]CCAGCGCTCGCCCATCCCACTCGAGTGCGGCGCCGCCTGTGATGTCCGGCTCTCCAGCTA-3'
Protein context (NP_005466.1, residues 431-451): FPSVVDMLHH[Phe441Ser]QRSPIPLECG

ClinVar aggregate classification (germline): Uncertain significance (1 of 4 stars; one submission).

Conditions:
Inborn genetic diseases. Identifiers: MedGen C0950123, MeSH D030342.

Submission:

Ambry Genetics
Classification: Uncertain significance for Inborn genetic diseases. Last evaluated: 2025-07-13. Review status: criteria provided, single submitter. Criteria: Ambry Variant Classification Scheme 2023. Collection method: clinical testing. Allele origin: germline.
Comment: The p.F441S variant (also known as c.1322T>C), located in coding exon 6 of the SH2B3 gene, results from a T to C substitution at nucleotide position 1322. The phenylalanine at codon 441 is replaced by serine, an amino acid with highly dissimilar properties. This amino acid position is conserved. In addition, this alteration is predicted to be deleterious by in silico analysis. Based on the available evidence, the clinical significance of this variant remains unclear.